The following is an entry in ClinVar:

ClinVar aggregate classification (germline): Uncertain significance (1 of 4 stars; one submission).

gnomAD v4.1: 1 of 1,613,926 alleles (0.000062%); highest among the groups gnomAD compares: Non-Finnish European, 0.000085%; no homozygotes.

Submission:

Labcorp Genetics (formerly Invitae), Labcorp
Classification: Uncertain significance. Last evaluated: 2024-01-03. Review status: criteria provided, single submitter. Criteria: Invitae Variant Classification Sherloc (09022015). Collection method: clinical testing. Allele origin: germline.
Comment: This sequence change replaces serine, which is neutral and polar, with leucine, which is neutral and non-polar, at codon 92 of the SBF1 protein (p.Ser92Leu). This variant is not present in population databases (gnomAD no frequency). This variant has not been reported in the literature in individuals affected with SBF1-related conditions. Advanced modeling of protein sequence and biophysical properties (such as structural, functional, and spatial information, amino acid conservation, physicochemical variation, residue mobility, and thermodynamic stability) performed at Invitae indicates that this missense variant is not expected to disrupt SBF1 protein function with a negative predictive value of 80%. In summary, the available evidence is currently insufficient to determine the role of this variant in disease. Therefore, it has been classified as a Variant of Uncertain Significance.

NM_002972.4(SBF1):c.275C>T (p.Ser92Leu)

Gene: SBF1 (SET binding factor 1; minus strand). Cytogenetic location: 22q13.33.
Variant type: single nucleotide variant.
Coding change: c.275C>T on transcript NM_002972.4 (MANE Select); coding-DNA position 275, C replaced by T.
Protein change: p.Ser92Leu; replaces serine 92 with leucine.
Molecular consequence: missense variant.
Genome position (GRCh38, 1-based): chr22:50,467,790, G>A on the plus strand (C>T on the coding strand, the complement: SBF1 is on the minus strand). VCF-style: chr22-50467790-G-A. GRCh37 (hg19) VCF-style: chr22-50906219-G-A.
Other names: c.275C>T, p.Ser92Leu (NM_001365819.1, NM_001410794.1, NM_001410795.1); short protein forms S92L.
Identifiers: ClinVar variation 3615571 (VCV003615571.2).